The following is an entry in ClinVar:

ClinVar aggregate classification (germline): Uncertain significance (1 of 4 stars; one submission).

Conditions:
Seckel syndrome 1 (SCKL1). Also called: MICROCEPHALIC PRIMORDIAL DWARFISM I. Identifiers: Orphanet 808, MedGen C4551474, MONDO:0008869, OMIM 210600.

Submission:

Juno Genomics, Hangzhou Juno Genomics, Inc
Classification: Uncertain significance for Seckel syndrome 1. Review status: criteria provided, single submitter. Criteria: ACMG Guidelines, 2015. Collection method: clinical testing. Allele origin: germline.
Comment: Absent from controls (or at extremely low frequency if recessive) in Genome Aggregation Database.;Missense variant in a gene that has a low rate of benign missense variation.;Multiple lines of computational evidence support a deleterious effect on the gene or gene product.

NM_001184.4(ATR):c.5723T>C (p.Leu1908Pro)

Gene: ATR (ATR checkpoint kinase; minus strand). Cytogenetic location: 3q23.
Variant type: single nucleotide variant.
Coding change: c.5723T>C on transcript NM_001184.4 (MANE Select); coding-DNA position 5723, T replaced by C.
Protein change: p.Leu1908Pro; replaces leucine 1908 with proline.
Molecular consequence: missense variant.
Genome position (GRCh38, 1-based): chr3:142,497,028, A>G on the plus strand (T>C on the coding strand, the complement: ATR is on the minus strand). VCF-style: chr3-142497028-A-G. GRCh37 (hg19) VCF-style: chr3-142215870-A-G.
Other names: c.5531T>C, p.Leu1844Pro (NM_001354579.2); short protein forms L1908P, L1844P.
Identifiers: ClinVar variation 5006564 (VCV005006564.2).
Genomic context (GRCh38, chr3:142,497,028, plus strand): 5'-AAATTCAAGATAAGTGACATTTTTAAAAAAAGTAGTGTGAGAAACCTTTTGTTGAGGCTT[A>G]GTAAAGCCCTCCGGAGAGCCAGGATAGGCTCCTTGGCTCTGTAGGAATTCTGGGTCATTT-3'
Protein context (NP_001175.2, residues 1898-1918): EPILALRRAL[Leu1908Pro]SLNKRPDYNE